The following is an entry in ClinVar:

NM_001365951.3(KIF1B):c.2441C>T (p.Thr814Ile)

Gene: KIF1B (kinesin family member 1B; plus strand). Cytogenetic location: 1p36.22.
Variant type: single nucleotide variant.
Coding change: c.2441C>T on transcript NM_001365951.3 (MANE Select); coding-DNA position 2441, C replaced by T.
Protein change: p.Thr814Ile; replaces threonine 814 with isoleucine.
Molecular consequence: missense variant.
Genome position (GRCh38, 1-based): chr1:10,323,966, C>T. VCF-style: chr1-10323966-C-T. GRCh37 (hg19) VCF-style: chr1-10384024-C-T.
Other names: c.2441C>T, p.Thr814Ile (NM_001365952.1); c.2303C>T, p.Thr768Ile (NM_015074.3); short protein forms T814I, T768I.
Identifiers: ClinVar variation 3864080 (VCV003864080.1).

ClinVar aggregate classification (germline): Uncertain significance (1 of 4 stars; one submission).

Submission:

Ambry Genetics
Classification: Uncertain significance. Last evaluated: 2025-01-22. Review status: criteria provided, single submitter. Criteria: Ambry Variant Classification Scheme 2023. Collection method: clinical testing. Allele origin: germline.
Comment: The p.T768I variant (also known as c.2303C>T), located in coding exon 22 of the KIF1B gene, results from a C to T substitution at nucleotide position 2303. The threonine at codon 768 is replaced by isoleucine, an amino acid with similar properties. This amino acid position is conserved. In addition, this alteration is predicted to be tolerated by in silico analysis. Based on the available evidence, the clinical significance of this variant remains unclear.